The following is an entry in ClinVar:

ClinVar aggregate classification (germline): Benign. Review status: criteria provided, single submitter (1 of 4 stars). 3 submissions from 1 submitter: Benign (3). Last evaluated 2018-01-12.

Conditions:
Rabson-Mendenhall syndrome. Also called: MENDENHALL SYNDROME; Pineal Hyperplasia, Insulin-Resistant Diabetes Mellitus, and Somatic Abnormalities; Pineal hyperplasia AND diabetes mellitus syndrome. Identifiers: Orphanet 769, MedGen C0271695, MONDO:0009874, OMIM 262190.
Leprechaunism syndrome. Also called: Donohue syndrome; LEPRECHAUNISM. Identifiers: Orphanet 508, MedGen C0265344, MONDO:0009517, OMIM 246200.
Insulin-resistant diabetes mellitus AND acanthosis nigricans. Also called: Insulin-resistance syndrome type A; INSULIN RECEPTOR, DEFECT IN, WITH INSULIN-RESISTANT DIABETES MELLITUS AND ACANTHOSIS NIGRICANS; IRAN, TYPE A; type A insulin resistance; DIABETES MELLITUS, INSULIN-RESISTANT, WITH ACANTHOSIS NIGRICANS, TYPE A. Identifiers: Orphanet 2297, MedGen C0342278, MONDO:0012520, OMIM 610549.

Allele frequency attached by ClinVar (database versions not stated): gnomAD 0.00271 and 0.00321; TOPMed 0.00289; 1000 Genomes Project 30x 0.00500; 1000 Genomes Project 0.00519.

Submissions (3):

Illumina Laboratory Services, Illumina
Classification: Benign for Insulin-resistant diabetes mellitus AND acanthosis nigricans. Last evaluated: 2018-01-12. Review status: criteria provided, single submitter. Criteria: ICSL Variant Classification Criteria 13 December 2019. Collection method: clinical testing. Allele origin: germline.
Comment: This variant was observed in the ICSL laboratory as part of a predisposition screen in an ostensibly healthy population. It had not been previously curated by ICSL or reported in the Human Gene Mutation Database (HGMD: prior to June 1st, 2018), and was therefore a candidate for classification through an automated scoring system. Utilizing variant allele frequency, disease prevalence and penetrance estimates, and inheritance mode, an automated score was calculated to assess if this variant is too frequent to cause the disease. Based on the score and internal cut-off values, a variant classified as benign is not then subjected to further curation. The score for this variant resulted in a classification of benign for this disease.

Illumina Laboratory Services, Illumina
Classification: Benign for Rabson-Mendenhall syndrome. Last evaluated: 2018-01-12. Review status: criteria provided, single submitter. Criteria: ICSL Variant Classification Criteria 13 December 2019. Collection method: clinical testing. Allele origin: germline.
Comment: the same text as in the submission from Illumina Laboratory Services, Illumina above.

Illumina Laboratory Services, Illumina
Classification: Benign for Leprechaunism syndrome. Last evaluated: 2018-01-12. Review status: criteria provided, single submitter. Criteria: ICSL Variant Classification Criteria 13 December 2019. Collection method: clinical testing. Allele origin: germline.
Comment: the same text as in the submission from Illumina Laboratory Services, Illumina above.

NM_000208.4(INSR):c.*3541C>T

Genes: INSR (insulin receptor; minus strand), LOC129391047 (MPRA-validated peak3314 silencer; plus strand). Cytogenetic location: 19p13.2.
Variant type: single nucleotide variant.
Coding change: c.*3541C>T on transcript NM_000208.4 (MANE Select); 3541 bases downstream of the stop codon, C replaced by T.
Molecular consequence: 3 prime UTR variant.
Genome position (GRCh38, 1-based): chr19:7,113,515, G>A on the plus strand (C>T on the coding strand, the complement: INSR is on the minus strand). VCF-style: chr19-7113515-G-A. GRCh37 (hg19) VCF-style: chr19-7113526-G-A.
Other names: c.*3541C>T (NM_001079817.3).
Identifiers: ClinVar variation 330365 (VCV000330365.5), dbSNP rs116953519, ClinGen allele CA10652290.